The following is an entry in ClinVar:

NM_002397.4(MEF2C):c.-510_-498del13

Gene: MEF2C (myocyte enhancer factor 2C; minus strand). Cytogenetic location: 5q14.3.
Variant type: Microsatellite.
Coding change: c.-510_-498del13 on transcript NM_002397.4; 510 bases upstream of the start codon through 498 bases upstream of the start codon, 13 bases deleted (TCTTCCTCCTCCT).
Molecular consequence: intron variant (on NM_001364329.2).
Genome position (GRCh38, 1-based): chr5:88,883,310-88,883,322, AGGAGGAGGAAGA deleted on the plus strand (TCTTCCTCCTCCT on the coding strand, the reverse complement: MEF2C is on the minus strand); deleting any 13 consecutive bases within chr5:88,883,310-88,883,335 gives the same sequence; the c. name uses the placement nearest the transcript's 3' end. VCF-style (leftmost placement, unchanged base first): chr5-88883309-GAGGAGGAGGAAGA-G. GRCh37 (hg19) VCF-style: chr5-88179126-GAGGAGGAGGAAGA-G.
Other names: c.-140+4180_-140+4192del (NM_001364329.2, NM_001364334.2); c.-143+4180_-143+4192del (NM_001364330.2, NM_001131005.2, NM_001193347.1); c.-143+1167_-143+1179del (NM_001364345.2, NM_001364335.2).
Identifiers: ClinVar variation 1695134 (VCV001695134.29), dbSNP rs1164925540, ClinGen allele CA561151546.

ClinVar aggregate classification (germline): Benign/Likely benign. Review status: criteria provided, multiple submitters, no conflicts (2 of 4 stars). 3 submissions from 3 submitters: Benign (1); Likely benign (1). 1 of the submissions does not count toward it. Last evaluated 2026-02-01.

Conditions:
MEF2C-related disorder. Also called: MEF2C-related condition; MEF2C-related disorders. Identifiers: MedGen CN381096.

Submissions (3):

CeGaT Center for Human Genetics Tuebingen
Classification: Benign. Last evaluated: 2026-02-01. Review status: criteria provided, single submitter. Criteria: CeGaT Center For Human Genetics Tuebingen Variant Classification Criteria Version 2. Collection method: clinical testing. Allele origin: germline. Affected: yes. Observed: 25 variant alleles.
Comment: MEF2C: BS1, BS2; MEF2C-AS1: BS1, BS2

Blueprint Genetics
Classification: Likely benign. Last evaluated: 2024-11-20. Review status: criteria provided, single submitter. Criteria: ACMG Guidelines, 2015. Collection method: clinical testing. Allele origin: germline.

PreventionGenetics, part of Exact Sciences
Classification: Likely benign for MEF2C-related condition. Last evaluated: 2024-03-13. Review status: no assertion criteria provided. Collection method: clinical testing. Allele origin: germline. Not counted in ClinVar's aggregate classification.
Comment: This variant is classified as likely benign based on ACMG/AMP sequence variant interpretation guidelines (Richards et al. 2015 PMID: 25741868, with internal and published modifications).